The following is an entry in ClinVar:

ClinVar aggregate classification (germline): Pathogenic (1 of 4 stars; one submission).

Conditions:
Mucopolysaccharidosis, MPS-II (MPS2). Also called: Hunter Syndrome; IDURONATE 2-SULFATASE DEFICIENCY; Mucopolysaccharidosis Type II; Mucopolysaccharidosis type 2; Attenuated MPS (subtype; formerly known as mild MPS II); Severe MPS II. Identifiers: Orphanet 580, Orphanet 79388, MedGen C0026705, MONDO:0010674, OMIM 309900.

Submission:

Laboratory of Diagnosis and Therapy of Lysosomal Disorders, University of Padova
Classification: Pathogenic for Mucopolysaccharidosis, MPS-II. Last evaluated: 2024-06-07. Review status: criteria provided, single submitter. Criteria: ACMG Guidelines, 2015. Collection method: literature only. Allele origin: germline. Affected: yes. Observed: 1 variant allele.
Comment: Null variant (PVS1_Strong), Absent from controls (or at low frequency) in gnomAD database (PM2_Moderate), Patient’s phenotype or family history highly specific for the disease (PP4_Strong)

Classification method: ACMG Guidelines [PMID:25741868] with modifications

Literature cited by the submitters: PubMed 16495038.

NM_000202.8(IDS):c.1296C>A (p.Cys432Ter)

Gene: IDS (iduronate 2-sulfatase; minus strand). Cytogenetic location: Xq28.
Variant type: single nucleotide variant.
Coding change: c.1296C>A on transcript NM_000202.8 (MANE Select); coding-DNA position 1296, C replaced by A.
Protein change: p.Cys432Ter; replaces cysteine 432 with a stop codon.
Molecular consequence: nonsense.
Genome position (GRCh38, 1-based): chrX:149,483,103, G>T on the plus strand (C>A on the coding strand, the complement: IDS is on the minus strand). VCF-style: chrX-149483103-G-T. GRCh37 (hg19) VCF-style: chrX-148564634-G-T.
Other names: c.1026C>A, p.Cys342Ter (NM_001166550.4); short protein forms C342*, C432*.
Identifiers: ClinVar variation 3256021 (VCV003256021.2).
Genomic context (GRCh38, chrX:149,483,103, plus strand): 5'-GTACGGATCCTCTTCCAAGTCACGGAATCGAAAATGCTTCAGAAGGTTCTTGCCTTCTCT[G>T]CACAGCTCAACGTGAAATGAAGGAACGGGGCAGCGAGGTGGAACCTGCAGTCCTGCAAGT-3'